The following is an entry in ClinVar:

NM_015702.3(MMADHC):c.240_241insTTTTTTTTTTTTTTTTTTTTNNNNNNNNNNCTGACCTCGTGATCCGCCCGCCTCGGCCTCCCAAAGTGCTGGGATTACAGGCGTGAGCCACCGCGCCCGGCCGGAACATAGGTTTT (p.Asp81delinsPhePhePhePhePhePheXaaXaaXaaXaaLeuThrSerTer)

Gene: MMADHC (metabolism of cobalamin associated D; minus strand). Cytogenetic location: 2q23.2.
Variant type: Microsatellite.
Coding change: c.240_241insTTTTTTTTTTTTTTTTTTTTNNNNNNNNNNCTGACCTCGTGATCCGCCCGCCTCGGCCTCCCAAAGTGCTGGGATTACAGGCGTGAGCCACCGCGCCCGGCCGGAACATAGGTTTT on transcript NM_015702.3 (MANE Select); coding-DNA positions 240 to 241, TTTTTTTTTTTTTTTTTTTTNNNNNNNNNNCTGACCTCGTGATCCGCCCGCCTCGGCCTCCCAAAGTGCTGGGATTACAGGCGTGAGCCACCGCGCCCGGCCGGAACATAGGTTTT inserted.
Protein change: p.Asp81delinsPhePhePhePhePhePheXaaXaaXaaXaaLeuThrSerTer.
Molecular consequence: nonsense.
Genome position: GRCh38: chr2:149,579,563-149,579,576. GRCh37 (hg19): chr2:150,436,077-150,436,090.
Identifiers: ClinVar variation 2030444 (VCV002030444.4).

ClinVar aggregate classification (germline): Pathogenic (1 of 4 stars; one submission).

Conditions:
Methylmalonic aciduria and homocystinuria type cblD (MAHCD). Also called: METHYLMALONIC ACIDEMIA, cblH TYPE; Methylmalonic aciduria with homocystinuria cblD type. Identifiers: Orphanet 622, Orphanet 79283, MedGen C1848552, MONDO:0010185, OMIM 277410.

Submission:

Labcorp Genetics (formerly Invitae), Labcorp
Classification: Pathogenic for Methylmalonic aciduria and homocystinuria type cblD. Last evaluated: 2022-12-20. Review status: criteria provided, single submitter. Criteria: Invitae Variant Classification Sherloc (09022015). Collection method: clinical testing. Allele origin: germline.
Comment: This sequence change inserts a large fragment of DNA, likely a transposable element, in exon 4 of the MMADHC gene (c.240_241ins?), causing a frameshift at codon 81 (p.Asp81fs). The exact size and sequence of the insertion cannot be determined by the current assay. However, the insertion is expected to result in an absent or disrupted protein product. This variant is not present in population databases (gnomAD no frequency). This variant has not been reported in the literature in individuals affected with MMADHC-related conditions. Retrotransposon insertions including LINE1 (L1), Alu, and SVA (SINE-VNTR-Alu) have been reported to be disease-causing through disruption of either a coding region or splice site (PMID: 19763152, 20307669, 22406018) and loss-of-function variants in MMADHC are known to be pathogenic (PMID: 18385497). For these reasons, this variant has been classified as Pathogenic.

Literature cited by the submitters: PubMed 19763152; PubMed 20307669; PubMed 22406018; PubMed 18385497.